The following is an entry in ClinVar:

ClinVar aggregate classification (germline): Uncertain significance. Review status: criteria provided, multiple submitters, no conflicts (2 of 4 stars). 2 submissions from 2 submitters: Uncertain significance (2). Last evaluated 2025-07-31.

Conditions:
Hereditary diffuse gastric adenocarcinoma (HDGC). Also called: DIFFUSE GASTRIC AND LOBULAR BREAST CANCER SYNDROME. Identifiers: Orphanet 26106, MedGen C1708349, MONDO:0007648, OMIM 137215.
Hereditary cancer-predisposing syndrome. Also called: Tumor predisposition; Neoplastic Syndromes, Hereditary; Hereditary Cancer Syndrome; Hereditary neoplastic syndrome. Identifiers: Orphanet 140162, MedGen C0027672, MeSH D009386, MONDO:0015356.

Submissions (2):

Labcorp Genetics (formerly Invitae), Labcorp
Classification: Uncertain significance for Hereditary diffuse gastric adenocarcinoma. Last evaluated: 2025-07-31. Review status: criteria provided, single submitter. Criteria: Invitae Variant Classification Sherloc (09022015). Collection method: clinical testing. Allele origin: germline.
Comment: This sequence change replaces valine, which is neutral and non-polar, with isoleucine, which is neutral and non-polar, at codon 176 of the CDH1 protein (p.Val176Ile). This variant is not present in population databases (gnomAD no frequency). This variant has not been reported in the literature in individuals affected with CDH1-related conditions. ClinVar contains an entry for this variant (Variation ID: 1057662). An algorithm developed to predict the effect of missense changes on protein structure and function (PolyPhen-2) suggests that this variant is likely to be disruptive. In summary, the available evidence is currently insufficient to determine the role of this variant in disease. Therefore, it has been classified as a Variant of Uncertain Significance.

Ambry Genetics
Classification: Uncertain significance for Hereditary cancer-predisposing syndrome. Last evaluated: 2020-12-08. Review status: criteria provided, single submitter. Criteria: Ambry Variant Classification Scheme 2023. Collection method: clinical testing. Allele origin: germline.
Comment: The p.V176I variant (also known as c.526G>A), located in coding exon 4 of the CDH1 gene, results from a G to A substitution at nucleotide position 526. The valine at codon 176 is replaced by isoleucine, an amino acid with highly similar properties. This amino acid position is well conserved in available vertebrate species. In addition, this alteration is predicted to be tolerated by in silico analysis. Since supporting evidence is limited at this time, the clinical significance of this alteration remains unclear.

NM_004360.5(CDH1):c.526G>A (p.Val176Ile)

Gene: CDH1 (cadherin 1; plus strand). Cytogenetic location: 16q22.1.
Variant type: single nucleotide variant.
Coding change: c.526G>A on transcript NM_004360.5 (MANE Select); coding-DNA position 526, G replaced by A.
Protein change: p.Val176Ile; replaces valine 176 with isoleucine.
Molecular consequence: missense variant. On other transcripts: 5 prime UTR variant (2).
Genome position (GRCh38, 1-based): chr16:68,808,562, G>A. VCF-style: chr16-68808562-G-A. GRCh37 (hg19) VCF-style: chr16-68842465-G-A.
Other names: c.526G>A, p.Val176Ile (NM_001317184.2); c.-1090G>A (NM_001317185.2); c.-1294G>A (NM_001317186.2); short protein forms V176I.
Identifiers: ClinVar variation 1057662 (VCV001057662.12), dbSNP rs2152129832, ClinGen allele CA396457811.